The following is an entry in ClinVar:

ClinVar aggregate classification (germline): Uncertain significance (1 of 4 stars; one submission).

Submission:

Labcorp Genetics (formerly Invitae), Labcorp
Classification: Uncertain significance. Last evaluated: 2023-10-23. Review status: criteria provided, single submitter. Criteria: Invitae Variant Classification Sherloc (09022015). Collection method: clinical testing. Allele origin: germline.
Comment: This sequence change replaces alanine, which is neutral and non-polar, with glycine, which is neutral and non-polar, at codon 1260 of the POLE protein (p.Ala1260Gly). This variant is not present in population databases (gnomAD no frequency). This variant has not been reported in the literature in individuals affected with POLE-related conditions. Advanced modeling of protein sequence and biophysical properties (such as structural, functional, and spatial information, amino acid conservation, physicochemical variation, residue mobility, and thermodynamic stability) performed at Invitae indicates that this missense variant is not expected to disrupt POLE protein function. In summary, the available evidence is currently insufficient to determine the role of this variant in disease. Therefore, it has been classified as a Variant of Uncertain Significance.

NM_006231.4(POLE):c.3779C>G (p.Ala1260Gly)

Gene: POLE (DNA polymerase epsilon, catalytic subunit; minus strand). Cytogenetic location: 12q24.33.
Variant type: single nucleotide variant.
Coding change: c.3779C>G on transcript NM_006231.4 (MANE Select); coding-DNA position 3779, C replaced by G.
Protein change: p.Ala1260Gly; replaces alanine 1260 with glycine.
Molecular consequence: missense variant.
Genome position (GRCh38, 1-based): chr12:132,649,693, G>C on the plus strand (C>G on the coding strand, the complement: POLE is on the minus strand). VCF-style: chr12-132649693-G-C. GRCh37 (hg19) VCF-style: chr12-133226279-G-C.
Other names: short protein forms A1260G.
Identifiers: ClinVar variation 2771162 (VCV002771162.3), dbSNP rs2138612498, ClinGen allele CA387385957.